The following is an entry in ClinVar:

ClinVar aggregate classification (germline): Uncertain significance. Review status: criteria provided, multiple submitters, no conflicts (2 of 4 stars). 3 submissions from 3 submitters: Uncertain significance (3). Last evaluated 2023-12-05.

Conditions:
Hereditary cancer-predisposing syndrome. Also called: Tumor predisposition; Neoplastic Syndromes, Hereditary; Hereditary Cancer Syndrome; Hereditary neoplastic syndrome. Identifiers: Orphanet 140162, MedGen C0027672, MeSH D009386, MONDO:0015356.
Ataxia-telangiectasia syndrome (AT). Also called: Ataxia-telangiectasia; Ataxia-telangiectasia, complementation group D; AT, COMPLEMENTATION GROUP C; LOUIS-BAR SYNDROME; Cerebello-oculocutaneous telangiectasia; Immunodeficiency with ataxia telangiectasia. Identifiers: Orphanet 100, MedGen C0004135, MONDO:0008840, OMIM 208900.

Allele frequency attached by ClinVar (database versions not stated): gnomAD exomes below 0.00001; TOPMed below 0.00001; gnomAD 0.00001.
gnomAD v4.1: 2 of 1,611,350 alleles (0.00012%); highest among the groups gnomAD compares: East Asian, 0.0045%; no homozygotes.

Submissions (3):

Color Diagnostics, LLC DBA Color Health
Classification: Uncertain significance for Hereditary cancer-predisposing syndrome. Last evaluated: 2023-12-05. Review status: criteria provided, single submitter. Criteria: ACMG Guidelines, 2015. Collection method: clinical testing. Allele origin: germline.
Comment: This missense variant replaces leucine with serine at codon 1775 of the ATM protein. Computational prediction suggests that this variant may not impact protein structure and function (internally defined REVEL score threshold <= 0.5, PMID: 27666373). To our knowledge, functional studies have not been reported for this variant. This variant has not been reported in individuals affected with ATM-related disorders in the literature. This variant has not been identified in the general population by the Genome Aggregation Database (gnomAD). The available evidence is insufficient to determine the role of this variant in disease conclusively. Therefore, this variant is classified as a Variant of Uncertain Significance.

Labcorp Genetics (formerly Invitae), Labcorp
Classification: Uncertain significance for Ataxia-telangiectasia syndrome. Last evaluated: 2023-01-06. Review status: criteria provided, single submitter. Criteria: Invitae Variant Classification Sherloc (09022015). Collection method: clinical testing. Allele origin: germline.
Comment: This sequence change replaces leucine, which is neutral and non-polar, with serine, which is neutral and polar, at codon 1775 of the ATM protein (p.Leu1775Ser). In summary, the available evidence is currently insufficient to determine the role of this variant in disease. Therefore, it has been classified as a Variant of Uncertain Significance. Algorithms developed to predict the effect of missense changes on protein structure and function are either unavailable or do not agree on the potential impact of this missense change (SIFT: "Deleterious"; PolyPhen-2: "Possibly Damaging"; Align-GVGD: "Class C0"). ClinVar contains an entry for this variant (Variation ID: 489558). This variant has not been reported in the literature in individuals affected with ATM-related conditions. This variant is not present in population databases (gnomAD no frequency).

Ambry Genetics
Classification: Uncertain significance for Hereditary cancer-predisposing syndrome. Last evaluated: 2021-10-13. Review status: criteria provided, single submitter. Criteria: Ambry Variant Classification Scheme 2023. Collection method: clinical testing. Allele origin: germline.
Comment: The p.L1775S variant (also known as c.5324T>C), located in coding exon 35 of the ATM gene, results from a T to C substitution at nucleotide position 5324. The leucine at codon 1775 is replaced by serine, an amino acid with dissimilar properties. This amino acid position is conserved. In addition, this alteration is predicted to be tolerated by in silico analysis. Since supporting evidence is limited at this time, the clinical significance of this alteration remains unclear.

NM_000051.4(ATM):c.5324T>C (p.Leu1775Ser)

Gene: ATM (ATM serine/threonine kinase; plus strand). Cytogenetic location: 11q22.3.
Variant type: single nucleotide variant.
Coding change: c.5324T>C on transcript NM_000051.4 (MANE Select); coding-DNA position 5324, T replaced by C.
Protein change: p.Leu1775Ser; replaces leucine 1775 with serine.
Molecular consequence: missense variant.
Genome position (GRCh38, 1-based): chr11:108,302,857, T>C. VCF-style: chr11-108302857-T-C. GRCh37 (hg19) VCF-style: chr11-108173584-T-C.
Other names: c.5324T>C, p.Leu1775Ser (NM_001351834.2); short protein forms L1775S.
Identifiers: ClinVar variation 489558 (VCV000489558.16), dbSNP rs1256064321, ClinGen allele CA382543019.